The following is an entry in ClinVar:

NM_206933.4(USH2A):c.5818del (p.Val1940fs)

Genes: USH2A (usherin; minus strand), USH2A-AS2 (USH2A antisense RNA 2; plus strand). Cytogenetic location: 1q41.
Variant type: Deletion.
Coding change: c.5818del on transcript NM_206933.4 (MANE Select); coding-DNA position 5818, one base deleted (G; older notation c.5818delG).
Protein change: p.Val1940fs; shifts the reading frame from valine 1940.
Molecular consequence: frameshift variant.
Genome position (GRCh38, 1-based): chr1:216,072,928, C deleted on the plus strand (G on the coding strand, the reverse complement: USH2A is on the minus strand). VCF-style (leftmost placement, unchanged base first): chr1-216072927-AC-A. GRCh37 (hg19) VCF-style: chr1-216246269-AC-A.
Other names: short protein forms V1940fs.
Identifiers: ClinVar variation 1411095 (VCV001411095.6), dbSNP rs2102548644, ClinGen allele CA2573131624.
Genomic context (GRCh38, chr1:216,072,927, plus strand): 5'-GCATTTGAAGATAAGTATTTACCTGCTCCTGTTGTACGTCCTCGACTCCAATCACTATAT[AC>A]TGAACCTCCTTCATGCGAGGCTATCACTCGATACAGGTATTCTTAAATGGAAATAAGATG-3'

ClinVar aggregate classification (germline): Pathogenic (1 of 4 stars; one submission).

Submission:

Labcorp Genetics (formerly Invitae), Labcorp
Classification: Pathogenic. Last evaluated: 2021-04-13. Review status: criteria provided, single submitter. Criteria: Invitae Variant Classification Sherloc (09022015). Collection method: clinical testing. Allele origin: germline.
Comment: For these reasons, this variant has been classified as Pathogenic. This variant has not been reported in the literature in individuals with USH2A-related conditions. This variant is not present in population databases (ExAC no frequency). This sequence change creates a premature translational stop signal (p.Val1940Tyrfs*27) in the USH2A gene. It is expected to result in an absent or disrupted protein product. Loss-of-function variants in USH2A are known to be pathogenic (PMID: 10729113, 10909849, 20507924, 25649381).

Literature cited by the submitters: PubMed 10729113; PubMed 10909849; PubMed 20507924; PubMed 25649381.